The following is an entry in ClinVar:

NM_018127.7(ELAC2):c.857A>G (p.His286Arg)

Gene: ELAC2 (elaC ribonuclease Z 2; minus strand). Cytogenetic location: 17p12.
Variant type: single nucleotide variant.
Coding change: c.857A>G on transcript NM_018127.7 (MANE Select); coding-DNA position 857, A replaced by G.
Protein change: p.His286Arg; replaces histidine 286 with arginine.
Molecular consequence: missense variant.
Genome position (GRCh38, 1-based): chr17:13,005,766, T>C on the plus strand (A>G on the coding strand, the complement: ELAC2 is on the minus strand). VCF-style: chr17-13005766-T-C. GRCh37 (hg19) VCF-style: chr17-12909083-T-C.
Other names: c.737A>G, p.His246Arg (NM_001165962.2); c.857A>G, p.His286Arg (NM_173717.2); short protein forms H246R, H286R.
Identifiers: ClinVar variation 3607785 (VCV003607785.2).

ClinVar aggregate classification (germline): Uncertain significance (1 of 4 stars; one submission).

Conditions:
Combined oxidative phosphorylation defect type 17. Also called: Combined oxidative phosphorylation deficiency 17. Identifiers: Orphanet 369913, MedGen C3809526, MONDO:0014190, OMIM 615440.

Submission:

Labcorp Genetics (formerly Invitae), Labcorp
Classification: Uncertain significance for Combined oxidative phosphorylation defect type 17. Last evaluated: 2024-02-07. Review status: criteria provided, single submitter. Criteria: Invitae Variant Classification Sherloc (09022015). Collection method: clinical testing. Allele origin: germline.
Comment: This sequence change replaces histidine, which is basic and polar, with arginine, which is basic and polar, at codon 286 of the ELAC2 protein (p.His286Arg). This variant is not present in population databases (gnomAD no frequency). This variant has not been reported in the literature in individuals affected with ELAC2-related conditions. Advanced modeling of protein sequence and biophysical properties (such as structural, functional, and spatial information, amino acid conservation, physicochemical variation, residue mobility, and thermodynamic stability) performed at Invitae indicates that this missense variant is not expected to disrupt ELAC2 protein function with a negative predictive value of 80%. In summary, the available evidence is currently insufficient to determine the role of this variant in disease. Therefore, it has been classified as a Variant of Uncertain Significance.